The following is an entry in ClinVar:

ClinVar aggregate classification (germline): Conflicting classifications of pathogenicity. Review status: criteria provided, conflicting classifications (1 of 4 stars). 5 submissions from 5 submitters: Uncertain significance (4); Likely benign (1). Last evaluated 2025-12-03.

Conditions:
Usher syndrome type 2C. Also called: Usher syndrome, type 2B; USHER SYNDROME, TYPE IIC. Identifiers: Orphanet 231178, Orphanet 886, MedGen C2931213, MONDO:0011558, OMIM 605472.
Febrile seizures, familial, 4 (FEB4). Also called: CONVULSIONS, FAMILIAL FEBRILE, 4. Identifiers: MedGen C1858493, MONDO:0011443, OMIM 604352.

Allele frequency attached by ClinVar (database versions not stated): gnomAD exomes 0.00003 and 0.00010; gnomAD 0.00004 and 0.00005; ExAC 0.00005; TOPMed 0.00006; 1000 Genomes Project 0.00040.
gnomAD v4.1: 63 of 1,611,870 alleles (0.0039%); highest among the groups gnomAD compares: East Asian, 0.1%; no homozygotes.

Submissions (5):

Labcorp Genetics (formerly Invitae), Labcorp
Classification: Likely benign. Last evaluated: 2025-12-03. Review status: criteria provided, single submitter. Criteria: Invitae Variant Classification Sherloc (09022015). Collection method: clinical testing. Allele origin: germline.

Blueprint Genetics
Classification: Uncertain significance. Last evaluated: 2024-10-28. Review status: criteria provided, single submitter. Criteria: ACMG Guidelines, 2015. Collection method: clinical testing. Allele origin: germline.

Women's Health and Genetics/Laboratory Corporation of America, LabCorp
Classification: Uncertain significance. Last evaluated: 2021-11-30. Review status: criteria provided, single submitter. Criteria: LabCorp Variant Classification Summary - May 2015. Collection method: clinical testing. Allele origin: germline.
Comment: Variant summary: ADGRV1 c.12335T>G (p.Leu4112Trp) results in a non-conservative amino acid change located in the Na-Ca exchanger/integrin-beta4 domain (IPR003644) of the encoded protein sequence. Four of five in-silico tools predict a damaging effect of the variant on protein function. The variant allele was found at a frequency of 0.0001 in 248542 control chromosomes (gnomAD). This frequency is not higher than expected for a pathogenic variant in ADGRV1 causing Usher Syndrome (0.0001 vs 0.0054), allowing no conclusion about variant significance. c.12335T>G has been reported in the literature in one sporadic, late onset hearing loss patient (Miyagawa_2013). This report does not provide unequivocal conclusions about association of the variant with Usher Syndrome. To our knowledge, no experimental evidence demonstrating an impact on protein function has been reported. Two ClinVar submitters (evaluation after 2014) cite the variant as uncertain significance. Based on the evidence outlined above, the variant was classified as uncertain significance.

Fulgent Genetics
Classification: Uncertain significance for Febrile seizures, familial, 4; Usher syndrome type 2C. Last evaluated: 2021-07-30. Review status: criteria provided, single submitter. Criteria: ACMG Guidelines, 2015. Collection method: clinical testing. Allele origin: unknown.

Illumina Laboratory Services, Illumina
Classification: Uncertain significance for Usher syndrome type 2C. Last evaluated: 2018-01-13. Review status: criteria provided, single submitter. Criteria: ICSL Variant Classification Criteria 13 December 2019. Collection method: clinical testing. Allele origin: germline.

Literature cited by the submitters: PubMed 23967202 (cited by Women's Health and Genetics/Laboratory Corporation of America, LabCorp).

NM_032119.4(ADGRV1):c.12335T>G (p.Leu4112Trp)

Gene: ADGRV1 (adhesion G protein-coupled receptor V1; plus strand). Cytogenetic location: 5q14.3.
Variant type: single nucleotide variant.
Coding change: c.12335T>G on transcript NM_032119.4 (MANE Select); coding-DNA position 12335, T replaced by G.
Protein change: p.Leu4112Trp; replaces leucine 4112 with tryptophan.
Molecular consequence: missense variant. On other transcripts: non-coding transcript variant (1).
Genome position (GRCh38, 1-based): chr5:90,774,235, T>G. VCF-style: chr5-90774235-T-G. GRCh37 (hg19) VCF-style: chr5-90070052-T-G.
Other names: short protein forms L4112W.
Identifiers: ClinVar variation 842294 (VCV000842294.14), dbSNP rs550815037, ClinGen allele CA3341217.
Genomic context (GRCh38, chr5:90,774,235, plus strand): 5'-ATTGGATGTAGACTGAGTCCCAGAAGACCATTGTGTTGCACACACTTCAAGACACAGTGT[T>G]GGAGGAGGACAGGCGTTTCACCATTCAGCTGATATCAATTGATGAGGTAGAAATATCTCC-3'
Protein context (NP_115495.3, residues 4102-4122): IVLHTLQDTV[Leu4112Trp]EEDRRFTIQL